The following is an entry in ClinVar:

ClinVar aggregate classification (germline): Uncertain significance. Review status: criteria provided, multiple submitters, no conflicts (2 of 4 stars). 3 submissions from 3 submitters: Uncertain significance (3). Last evaluated 2025-04-09.

Conditions:
Cardiovascular phenotype. Identifiers: MedGen CN230736.

Allele frequency attached by ClinVar (database versions not stated): gnomAD exomes below 0.00001 and 0.00001; ExAC 0.00001.
gnomAD v4.1: 3 of 1,614,188 alleles (0.00019%); highest among the groups gnomAD compares: South Asian, 0.0011%; no homozygotes.

Submissions (3):

Molecular Diagnostic Laboratory for Inherited Cardiovascular Disease, Montreal Heart Institute
Classification: Uncertain significance for Cardiovascular phenotype. Last evaluated: 2025-04-09. Review status: criteria provided, single submitter. Criteria: ACMG Guidelines, 2015. Collection method: clinical testing. Allele origin: germline. Affected: yes.

Ambry Genetics
Classification: Uncertain significance for Cardiovascular phenotype. Last evaluated: 2023-04-06. Review status: criteria provided, single submitter. Criteria: Ambry Variant Classification Scheme 2023. Collection method: clinical testing. Allele origin: germline.
Comment: The p.R527H variant (also known as c.1580G>A), located in coding exon 13 of the PTPN11 gene, results from a G to A substitution at nucleotide position 1580. The arginine at codon 527 is replaced by histidine, an amino acid with highly similar properties. This amino acid position is highly conserved in available vertebrate species. In addition, this alteration is predicted to be tolerated by in silico analysis. Since supporting evidence is limited at this time, the clinical significance of this alteration remains unclear.

GeneDx
Classification: Uncertain significance. Last evaluated: 2019-06-06. Review status: criteria provided, single submitter. Criteria: GeneDx Variant Classification Process June 2021. Collection method: clinical testing. Allele origin: germline. Affected: yes.

NM_002834.5(PTPN11):c.1580G>A (p.Arg527His)

Gene: PTPN11 (protein tyrosine phosphatase non-receptor type 11; plus strand). Cytogenetic location: 12q24.13.
Variant type: single nucleotide variant.
Coding change: c.1580G>A on transcript NM_002834.5 (MANE Select); coding-DNA position 1580, G replaced by A.
Protein change: p.Arg527His; replaces arginine 527 with histidine.
Molecular consequence: missense variant.
Genome position (GRCh38, 1-based): chr12:112,489,156, G>A. VCF-style: chr12-112489156-G-A. GRCh37 (hg19) VCF-style: chr12-112926960-G-A.
Other names: c.1592G>A, p.Arg531His (NM_001330437.2); c.1577G>A, p.Arg526His (NM_001374625.1); c.1580G>A (NM_002834.4); short protein forms R526H, R527H, R531H.
Identifiers: ClinVar variation 1197241 (VCV001197241.5), dbSNP rs770363146, ClinGen allele CA6798811.